The following is an entry in ClinVar:

ClinVar aggregate classification (germline): Likely pathogenic (1 of 4 stars; one submission).

Allele frequency attached by ClinVar (database versions not stated): gnomAD exomes below 0.00001.
gnomAD v4.1: 1 of 1,614,056 alleles (0.000062%); highest among the groups gnomAD compares: South Asian, 0.0011%; no homozygotes.

Submission:

Labcorp Genetics (formerly Invitae), Labcorp
Classification: Likely pathogenic. Last evaluated: 2022-07-10. Review status: criteria provided, single submitter. Criteria: Invitae Variant Classification Sherloc (09022015). Collection method: clinical testing. Allele origin: germline.
Comment: This sequence change replaces valine, which is neutral and non-polar, with alanine, which is neutral and non-polar, at codon 231 of the SLC26A4 protein (p.Val231Ala). This variant is not present in population databases (gnomAD no frequency). This variant has not been reported in the literature in individuals affected with SLC26A4-related conditions. Advanced modeling of protein sequence and biophysical properties (such as structural, functional, and spatial information, amino acid conservation, physicochemical variation, residue mobility, and thermodynamic stability) performed at Invitae indicates that this missense variant is expected to disrupt SLC26A4 protein function. This variant disrupts the p.Val231 amino acid residue in SLC26A4. Other variant(s) that disrupt this residue have been determined to be pathogenic (PMID: 25991456; Invitae). This suggests that this residue is clinically significant, and that variants that disrupt this residue are likely to be disease-causing. In summary, the currently available evidence indicates that the variant is pathogenic, but additional data are needed to prove that conclusively. Therefore, this variant has been classified as Likely Pathogenic.

Literature cited by the submitters: PubMed 25991456.

NM_000441.2(SLC26A4):c.692T>C (p.Val231Ala)

Gene: SLC26A4 (solute carrier family 26 member 4; plus strand). Cytogenetic location: 7q22.3.
Variant type: single nucleotide variant.
Coding change: c.692T>C on transcript NM_000441.2 (MANE Select); coding-DNA position 692, T replaced by C.
Protein change: p.Val231Ala; replaces valine 231 with alanine.
Molecular consequence: missense variant.
Genome position (GRCh38, 1-based): chr7:107,675,036, T>C. VCF-style: chr7-107675036-T-C. GRCh37 (hg19) VCF-style: chr7-107315481-T-C.
Other names: short protein forms V231A.
Identifiers: ClinVar variation 2015702 (VCV002015702.4), dbSNP rs2535297531, ClinGen allele CA368831565.